The following is an entry in ClinVar:

NM_024740.2(ALG9):c.1141C>G (p.Leu381Val)

Gene: ALG9 (ALG9 alpha-1,2-mannosyltransferase; minus strand). Cytogenetic location: 11q23.1.
Variant type: single nucleotide variant.
Coding change: c.1141C>G on transcript NM_024740.2 (MANE Select); coding-DNA position 1141, C replaced by G.
Protein change: p.Leu381Val; replaces leucine 381 with valine.
Molecular consequence: missense variant. On other transcripts: non-coding transcript variant (1).
Genome position (GRCh38, 1-based): chr11:111,840,687, G>C on the plus strand (C>G on the coding strand, the complement: ALG9 is on the minus strand). VCF-style: chr11-111840687-G-C. GRCh37 (hg19) VCF-style: chr11-111711410-G-C.
Other names: c.628C>G, p.Leu210Val (NM_001352409.1, NM_001352410.1, NM_001352411.2 and 10 more transcripts); c.1141C>G, p.Leu381Val (NM_001352417.1, NM_001077690.1); c.1018C>G, p.Leu340Val (NM_001352418.1); c.553C>G, p.Leu185Val (NM_001352422.2); c.505C>G, p.Leu169Val (NM_001352423.2); short protein forms L340V, L381V, L169V, L185V, L210V.
Identifiers: ClinVar variation 3598967 (VCV003598967.2).

ClinVar aggregate classification (germline): Uncertain significance. Review status: criteria provided, multiple submitters, no conflicts (2 of 4 stars). 2 submissions from 2 submitters: Uncertain significance (2). Last evaluated 2025-08-29.

Conditions:
Gillessen-Kaesbach-Nishimura syndrome (GIKANIS). Identifiers: MedGen C1849762, MONDO:0009890, OMIM 263210.
ALG9 congenital disorder of glycosylation (CDG1L). Also called: CONGENITAL DISORDER OF GLYCOSYLATION, TYPE Il; ALG9-CDG; CDG Il. Identifiers: Orphanet 79328, MedGen C2931006, MONDO:0012117, OMIM 608776.
ALG9-related disorder. Also called: ALG9-related condition.

Submissions (2):

PreventionGenetics, part of Exact Sciences
Classification: Uncertain significance for ALG9-related condition. Last evaluated: 2025-08-29. Review status: criteria provided, single submitter. Criteria: ACMG Guidelines, 2015. Collection method: clinical testing. Allele origin: germline.
Comment: The ALG9 c.1141C>G variant is predicted to result in the amino acid substitution p.Leu381Val. To our knowledge, this variant has not been reported in the literature or in a large population database (gnomAD), indicating this variant is rare. Of note, a different substitution in the heterozygous state at a nearby highly conserved codon within the same exon, defined as c.1109G>A (p.Arg370Lys), was reported to be likely pathogenic for autosomal dominant polycystic kidney disease (ADPKD) spectrum phenotypes with supportive evidence from functional studies (Besse et al. 2019. PubMed ID: 31395617). At this time, the clinical significance of the c.1141C>G (p.Leu381Val) variant is uncertain due to the absence of conclusive functional and genetic evidence.

Fulgent Genetics
Classification: Uncertain significance for Gillessen-Kaesbach-Nishimura syndrome; ALG9 congenital disorder of glycosylation. Last evaluated: 2024-01-22. Review status: criteria provided, single submitter. Criteria: ACMG Guidelines, 2015. Collection method: clinical testing. Allele origin: germline.